The following is an entry in ClinVar:

NM_000539.3(RHO):c.392T>C (p.Leu131Pro)

Gene: RHO (rhodopsin; plus strand). Cytogenetic location: 3q22.1.
Variant type: single nucleotide variant.
Coding change: c.392T>C on transcript NM_000539.3 (MANE Select); coding-DNA position 392, T replaced by C.
Protein change: p.Leu131Pro; replaces leucine 131 with proline.
Molecular consequence: missense variant.
Genome position (GRCh38, 1-based): chr3:129,530,906, T>C. VCF-style: chr3-129530906-T-C. GRCh37 (hg19) VCF-style: chr3-129249749-T-C.
Other names: short protein forms L131P.
Identifiers: ClinVar variation 493373 (VCV000493373.51), dbSNP rs1553781140, ClinGen allele CA354497998.

ClinVar aggregate classification (germline): Pathogenic/Likely pathogenic. Review status: criteria provided, multiple submitters, no conflicts (2 of 4 stars). 4 submissions from 4 submitters: Pathogenic (3); Likely pathogenic (1). Last evaluated 2022-02-03.

Conditions:
Retinitis pigmentosa 4 (RP4). Also called: RETINITIS PIGMENTOSA, RHODOPSIN-RELATED. Identifiers: Orphanet 791, MedGen C3151001, MONDO:0013395, OMIM 613731.
Retinal dystrophy. Also called: Inherited retinal dystrophy. Identifiers: Orphanet 71862, MedGen C0854723, MeSH D058499, MONDO:0019118, HP:0000556.

Submissions (4):

Labcorp Genetics (formerly Invitae), Labcorp
Classification: Pathogenic. Last evaluated: 2022-02-03. Review status: criteria provided, single submitter. Criteria: Invitae Variant Classification Sherloc (09022015). Collection method: clinical testing. Allele origin: germline.
Comment: This sequence change replaces leucine, which is neutral and non-polar, with proline, which is neutral and non-polar, at codon 131 of the RHO protein (p.Leu131Pro). For these reasons, this variant has been classified as Pathogenic. Experimental studies have shown that this missense change affects RHO function (PMID: 30977563). Algorithms developed to predict the effect of missense changes on protein structure and function (SIFT, PolyPhen-2, Align-GVGD) all suggest that this variant is likely to be disruptive. ClinVar contains an entry for this variant (Variation ID: 493373). This missense change has been observed in individual(s) with autosomal dominant retinitis pigmentosa (PMID: 20164459). It has also been observed to segregate with disease in related individuals. This variant is not present in population databases (gnomAD no frequency).

Centre for Genomic Medicine, Manchester, Central Manchester University Hospitals
Classification: Likely pathogenic for Retinitis pigmentosa 4. Last evaluated: 2020-09-01. Review status: criteria provided, single submitter. Criteria: ACMG Guidelines, 2015. Collection method: clinical testing. Allele origin: germline. Affected: yes. Observed: 1 heterozygote.

Institute of Human Genetics, Univ. Regensburg, Univ. Regensburg
Classification: Pathogenic for Retinal dystrophy. Last evaluated: 2019-01-01. Review status: criteria provided, single submitter. Criteria: ACMG Guidelines, 2015. Collection method: clinical testing. Allele origin: germline. Affected: yes.

CeGaT Center for Human Genetics Tuebingen
Classification: Pathogenic. Last evaluated: 2018-02-01. Review status: criteria provided, single submitter. Criteria: CeGaT Center For Human Genetics Tuebingen Variant Classification Criteria Version 2. Collection method: clinical testing. Allele origin: germline. Affected: yes. Observed: 2 variant alleles.

Literature cited by the submitters: PubMed 30977563 (cited by Labcorp Genetics (formerly Invitae), Labcorp and Institute of Human Genetics, Univ. Regensburg, Univ. Regensburg); PubMed 20164459 (cited by Labcorp Genetics (formerly Invitae), Labcorp); PubMed 7981701 (cited by Institute of Human Genetics, Univ. Regensburg, Univ. Regensburg); PubMed 21094163 (cited by Institute of Human Genetics, Univ. Regensburg, Univ. Regensburg); PubMed 32531858 (cited by Institute of Human Genetics, Univ. Regensburg, Univ. Regensburg).